The following is an entry in ClinVar:

ClinVar aggregate classification (germline): Uncertain significance (1 of 4 stars; one submission).

Submission:

Ambry Genetics
Classification: Uncertain significance. Last evaluated: 2021-06-14. Review status: criteria provided, single submitter. Criteria: Ambry Variant Classification Scheme 2023. Collection method: clinical testing. Allele origin: germline.
Comment: The p.A194V variant (also known as c.581C>T), located in coding exon 1 of the EGLN1 gene, results from a C to T substitution at nucleotide position 581. The alanine at codon 194 is replaced by valine, an amino acid with similar properties. This amino acid position is conserved. In addition, this alteration is predicted to be tolerated by in silico analysis. Since supporting evidence is limited at this time, the clinical significance of this alteration remains unclear.

NM_022051.3(EGLN1):c.581C>T (p.Ala194Val)

Gene: EGLN1 (egl-9 family hypoxia inducible factor 1; minus strand). Cytogenetic location: 1q42.2.
Variant type: single nucleotide variant.
Coding change: c.581C>T on transcript NM_022051.3 (MANE Select); coding-DNA position 581, C replaced by T.
Protein change: p.Ala194Val; replaces alanine 194 with valine.
Molecular consequence: missense variant.
Genome position (GRCh38, 1-based): chr1:231,421,308, G>A on the plus strand (C>T on the coding strand, the complement: EGLN1 is on the minus strand). VCF-style: chr1-231421308-G-A. GRCh37 (hg19) VCF-style: chr1-231557054-G-A.
Other names: c.581C>T, p.Ala194Val (NM_001377260.1, NM_001377261.1); short protein forms A194V.
Identifiers: ClinVar variation 1749880 (VCV001749880.2), dbSNP rs2527359422, ClinGen allele CA345236482.
Genomic context (GRCh38, chr1:231,421,308, plus strand): 5'-AGGAAGTCGTCCACCACACAGATGCCGTGCTTGTTCATGCACGGCACGATGTACTCGAGC[G>A]CCAGCTTCAGCGCCGGCAGGGGCTTCGTCTGCCCGTTGGGCCGCAGGCCGCCGCCGGGGC-3'
Protein context (NP_071334.1, residues 184-204): QTKPLPALKL[Ala194Val]LEYIVPCMNK